The following is an entry in ClinVar:

NM_012434.5(SLC17A5):c.394A>C (p.Lys132Gln)

Gene: SLC17A5 (solute carrier family 17 member 5; minus strand). Cytogenetic location: 6q13.
Variant type: single nucleotide variant.
Coding change: c.394A>C on transcript NM_012434.5 (MANE Select); coding-DNA position 394, A replaced by C.
Protein change: p.Lys132Gln; replaces lysine 132 with glutamine.
Molecular consequence: missense variant.
Genome position (GRCh38, 1-based): chr6:73,641,822, T>G on the plus strand (A>C on the coding strand, the complement: SLC17A5 is on the minus strand). VCF-style: chr6-73641822-T-G. GRCh37 (hg19) VCF-style: chr6-74351545-T-G.
Other names: c.163A>C, p.Lys55Gln (NM_001382629.1, NM_001382636.1); c.394A>C, p.Lys132Gln (NM_001382630.1, NM_001382632.1, NM_001382633.1 and 2 more transcripts); c.415A>C, p.Lys139Gln (NM_001382631.1); short protein forms K55Q, K132Q, K139Q.
Identifiers: ClinVar variation 3594128 (VCV003594128.3).
Genomic context (GRCh38, chr6:73,641,822, plus strand): 5'-ACAGGGTGAGGACAGCAGTGCCAAGGATCCCAAATCCTAGCAGCATTTTCCCCCCTATTT[T>G]GCTGGCAACATATCCTCCAGGAATCTGTGTGATGATGTAGCCATAAAAAAAGGAACCGAG-3'
Protein context (NP_036566.1, residues 122-142): TQIPGGYVAS[Lys132Gln]IGGKMLLGFG

ClinVar aggregate classification (germline): Uncertain significance. Review status: criteria provided, multiple submitters, no conflicts (2 of 4 stars). 2 submissions from 2 submitters: Uncertain significance (2). Last evaluated 2026-05-01.

Conditions:
Sialic acid storage disease, severe infantile type (ISSD). Also called: INFANTILE SIALIC ACID STORAGE DISORDER; N-ACETYLNEURAMINIC ACID STORAGE DISEASE; NANA STORAGE DISEASE; SIALURIA, INFANTILE FORM; Infantile Sialic Acid Storage Disease; Free sialic acid storage disease, infantile form. Identifiers: Orphanet 309324, Orphanet 834, MedGen C1096902, MONDO:0010027, OMIM 269920.
Salla disease (SD). Also called: Less Severe FSASD (Salla Disease); Sialuria, Finnish type; N-acetylneuraminic acid (NANA) storage disease (NSD); Infantile sialic acid storage disorder (ISSD). Identifiers: Orphanet 309334, Orphanet 834, MedGen C1096903, MONDO:0011449, OMIM 604369.

gnomAD v4.1: 30 of 1,614,050 alleles (0.0019%); highest among the groups gnomAD compares: Non-Finnish European, 0.0025%; no homozygotes.

Submissions (2):

CeGaT Center for Human Genetics Tuebingen
Classification: Uncertain significance. Last evaluated: 2026-05-01. Review status: criteria provided, single submitter. Criteria: CeGaT Center For Human Genetics Tuebingen Variant Classification Criteria Version 2. Collection method: clinical testing. Allele origin: germline. Affected: yes. Observed: 1 variant allele.
Comment: SLC17A5: PM2, BP4

Fulgent Genetics
Classification: Uncertain significance for Sialic acid storage disease, severe infantile type; Salla disease. Last evaluated: 2024-05-15. Review status: criteria provided, single submitter. Criteria: ACMG Guidelines, 2015. Collection method: clinical testing. Allele origin: germline.